The following is an entry in ClinVar:

NM_007327.4(GRIN1):c.162del (p.Ser55fs)

Gene: GRIN1 (glutamate ionotropic receptor NMDA type subunit 1; plus strand). Cytogenetic location: 9q34.3.
Variant type: Deletion.
Coding change: c.162del on transcript NM_007327.4 (MANE Select); coding-DNA position 162, one base deleted (C; older notation c.162delC).
Protein change: p.Ser55fs; shifts the reading frame from serine 55.
Molecular consequence: frameshift variant.
Genome position (GRCh38, 1-based): chr9:137,139,648, C deleted. VCF-style (leftmost placement, unchanged base first): chr9-137139647-GC-G. GRCh37 (hg19) VCF-style: chr9-140034099-GC-G.
Other names: c.162del, p.Ser55fs (NM_000832.7, NM_001185090.2, NM_001185091.2 and 3 more transcripts); short protein forms S55fs.
Identifiers: ClinVar variation 4992940 (VCV004992940.1).
Genomic context (GRCh38, chr9:137,139,647, plus strand): 5'-GCACGCGGAAGCACGAGCAGATGTTCCGCGAGGCCGTGAACCAGGCCAACAAGCGGCACG[GC>G]TCCTGGAAGATTCAGCTCAATGCCACCTCCGTCACGCACAAGCCCAACGCCATCCAGATG-3'

ClinVar aggregate classification (germline): Uncertain significance (1 of 4 stars; one submission).

Conditions:
GRIN1-related disorder. Also called: GRIN1-related condition.

Submission:

PreventionGenetics, part of Exact Sciences
Classification: Uncertain significance for GRIN1-related condition. Last evaluated: 2026-04-20. Review status: criteria provided, single submitter. Criteria: ACMG Guidelines, 2015. Collection method: clinical testing. Allele origin: germline.
Comment: The GRIN1 c.162delC variant is predicted to result in a frameshift and premature protein termination (p.Ser55Profs*37). To our knowledge, this variant has not been reported in the literature or in a large population database (gnomAD), indicating this variant is rare. Another nearby early termination change has been documented in the heterozygous state in the gnomAD database, in an individual of unknown phenotype (p.Trp56Ter). In addition, this frameshift variant is located in exon one of GRIN1, and a downstream start codon is present in the exon. The GRIN1 gene is highly intolerant to early termination changes on the whole; however, a majority of literature evidence to date suggests these changes may only be related to autosomal recessive disease (Brock et al. 2023. PubMed ID: 35393335; Blakes and Banka. 2022. PubMed ID: 34611970). Although we suspect that this variant may be pathogenic, at this time, the clinical significance of this variant is uncertain due to the absence of conclusive functional and genetic evidence.